The following is an entry in ClinVar:

ClinVar aggregate classification (germline): Pathogenic (1 of 4 stars; one submission).

Submission:

Labcorp Genetics (formerly Invitae), Labcorp
Classification: Pathogenic. Last evaluated: 2021-11-01. Review status: criteria provided, single submitter. Criteria: Invitae Variant Classification Sherloc (09022015). Collection method: clinical testing. Allele origin: germline.
Comment: This variant has not been reported in the literature in individuals affected with NSD1-related conditions. This variant is not present in population databases (gnomAD no frequency). This sequence change creates a premature translational stop signal (p.Pro2153Thrfs*13) in the NSD1 gene. While this is not anticipated to result in nonsense mediated decay, it is expected to disrupt the last 544 amino acid(s) of the NSD1 protein. This variant disrupts a region of the NSD1 protein in which other variant(s) (p.Glu2564*) have been determined to be pathogenic (Invitae). This suggests that this is a clinically significant region of the protein, and that variants that disrupt it are likely to be disease-causing. For these reasons, this variant has been classified as Pathogenic.

NM_022455.5(NSD1):c.6455dup (p.Pro2153fs)

Gene: NSD1 (nuclear receptor binding SET domain protein 1; plus strand). Cytogenetic location: 5q35.3.
Variant type: Duplication.
Coding change: c.6455dup on transcript NM_022455.5 (MANE Select); coding-DNA position 6455, one base duplicated (G; older notation c.6455dupG).
Protein change: p.Pro2153fs; shifts the reading frame from proline 2153.
Molecular consequence: frameshift variant.
Genome position (GRCh38, 1-based): chr5:177,292,150, G duplicated. VCF-style (leftmost placement, unchanged base first): chr5-177292149-C-CG. GRCh37 (hg19) VCF-style: chr5-176719150-C-CG.
Other names: c.5582dup, p.Pro1862Thrfs (NM_001365684.2, NM_001409308.1, NM_172349.5); c.6455dup, p.Pro2153Thrfs (NM_001409301.1, NM_001409302.1, NM_001409303.1); c.6035dup, p.Pro2013Thrfs (NM_001409304.1); c.5702dup, p.Pro1902Thrfs (NM_001409305.1); c.5693dup, p.Pro1899Thrfs (NM_001409306.1, NM_001409307.1); c.5333dup, p.Pro1779Thrfs (NM_001409309.1); short protein forms P2153fs, P1884fs.
Identifiers: ClinVar variation 1454889 (VCV001454889.6), dbSNP rs2127276655, ClinGen allele CA2573139471.